The following is an entry in ClinVar:

ClinVar aggregate classification (germline): Uncertain significance (1 of 4 stars; one submission).

Conditions:
Hereditary cancer-predisposing syndrome. Also called: Neoplastic Syndromes, Hereditary; Tumor predisposition; Hereditary neoplastic syndrome; Hereditary Cancer Syndrome. Identifiers: Orphanet 140162, MedGen C0027672, MeSH D009386, MONDO:0015356.

Submission:

Ambry Genetics
Classification: Uncertain significance for Hereditary cancer-predisposing syndrome. Last evaluated: 2026-07-09. Review status: criteria provided, single submitter. Criteria: Ambry Variant Classification Scheme 2023. Collection method: clinical testing. Allele origin: germline.
Comment: The p.N166S variant (also known as c.497A>G), located in coding exon 4 of the CDH1 gene, results from an A to G substitution at nucleotide position 497. The asparagine at codon 166 is replaced by serine, an amino acid with highly similar properties. This amino acid position is highly conserved in available vertebrate species. In addition, this alteration is predicted to be tolerated by in silico analysis. Based on the available evidence, the clinical significance of this variant remains unclear.

NM_004360.5(CDH1):c.497A>G (p.Asn166Ser)

Gene: CDH1 (cadherin 1; plus strand). Cytogenetic location: 16q22.1.
Variant type: single nucleotide variant.
Coding change: c.497A>G on transcript NM_004360.5 (MANE Select); coding-DNA position 497, A replaced by G.
Protein change: p.Asn166Ser; replaces asparagine 166 with serine.
Molecular consequence: missense variant. On other transcripts: 5 prime UTR variant (2).
Genome position (GRCh38, 1-based): chr16:68,808,533, A>G. VCF-style: chr16-68808533-A-G. GRCh37 (hg19) VCF-style: chr16-68842436-A-G.
Other names: c.497A>G, p.Asn166Ser (NM_001317184.2); c.-1119A>G (NM_001317185.2); c.-1323A>G (NM_001317186.2); short protein forms N166S.
Identifiers: ClinVar variation 5033890 (VCV005033890.1).
Genomic context (GRCh38, chr16:68,808,533, plus strand): 5'-CTCCTGGCCTCAGAAGACAGAAGAGAGACTGGGTTATTCCTCCCATCAGCTGCCCAGAAA[A>G]TGAAAAAGGCCCATTTCCTAAAAACCTGGTTCAGGTAGAGAAAGAAGTTCTCTGTTTCTC-3'
Protein context (NP_004351.1, residues 156-176): WVIPPISCPE[Asn166Ser]EKGPFPKNLV